The following is an entry in ClinVar:

NM_000161.3(GCH1):c.647G>C (p.Arg216Pro)

Gene: GCH1 (GTP cyclohydrolase 1; minus strand). Cytogenetic location: 14q22.2.
Variant type: single nucleotide variant.
Coding change: c.647G>C on transcript NM_000161.3 (MANE Select); coding-DNA position 647, G replaced by C.
Protein change: p.Arg216Pro; replaces arginine 216 with proline.
Molecular consequence: missense variant. On other transcripts: intron variant (2).
Genome position (GRCh38, 1-based): chr14:54,844,123, C>G on the plus strand (G>C on the coding strand, the complement: GCH1 is on the minus strand). VCF-style: chr14-54844123-C-G. GRCh37 (hg19) VCF-style: chr14-55310841-C-G.
Other names: c.647G>C, p.Arg216Pro (NM_001024024.2); c.627-1069G>C (NM_001024071.2); c.627-254G>C (NM_001024070.2); short protein forms R216P.
Identifiers: ClinVar variation 849521 (VCV000849521.9), dbSNP rs2039603118, ClinGen allele CA389787197.

ClinVar aggregate classification (germline): Uncertain significance (1 of 4 stars; one submission).

Conditions:
Dystonia 5 (DRD). Also called: Dystonia, DOPA-responsive, with or without hyperphenylalaninemia; DYSTONIA, PROGRESSIVE, WITH DIURNAL VARIATION; DYSTONIA-PARKINSONISM WITH DIURNAL FLUCTUATION; DYT-GCH1; GTP Cyclohydrolase 1-Deficient Dopa-Responsive Dystonia. Identifiers: Orphanet 98808, MedGen C1851920, MONDO:0007495, OMIM 128230.
GTP cyclohydrolase I deficiency. Identifiers: MedGen C0268467, MONDO:0100184.

Submission:

Labcorp Genetics (formerly Invitae), Labcorp
Classification: Uncertain significance for GTP cyclohydrolase I deficiency; Dystonia 5. Last evaluated: 2019-01-26. Review status: criteria provided, single submitter. Criteria: Invitae Variant Classification Sherloc (09022015). Collection method: clinical testing. Allele origin: germline.
Comment: Algorithms developed to predict the effect of missense changes on protein structure and function (SIFT, PolyPhen-2, Align-GVGD) all suggest that this variant is likely to be disruptive, but these predictions have not been confirmed by published functional studies and their clinical significance is uncertain. In summary, the available evidence is currently insufficient to determine the role of this variant in disease. Therefore, it has been classified as a Variant of Uncertain Significance. Algorithms developed to predict the effect of sequence changes on RNA splicing suggest that this variant may create or strengthen a splice site, but this prediction has not been confirmed by published transcriptional studies. This variant has not been reported in the literature in individuals with GCH1-related conditions. This variant is not present in population databases (ExAC no frequency). This sequence change replaces arginine with proline at codon 216 of the GCH1 protein (p.Arg216Pro). The arginine residue is highly conserved and there is a moderate physicochemical difference between arginine and proline.